The following is an entry in ClinVar:

ClinVar aggregate classification (germline): Benign/Likely benign. Review status: criteria provided, multiple submitters, no conflicts (2 of 4 stars). 4 submissions from 4 submitters: Benign (2); Likely benign (2). Last evaluated 2021-12-05.

Conditions:
Amyotrophic neuralgia (HNA). Also called: AMYOTROPHY, HEREDITARY NEURALGIC; Hereditary Brachial Plexus Neuropathy; Neuritis with Brachial Predilection; AMYOTROPHY, HEREDITARY NEURALGIC, WITH PREDILECTION FOR BRACHIAL PLEXUS. Identifiers: Orphanet 2901, MedGen C1834304, MONDO:0008076, OMIM 162100.

Allele frequency attached by ClinVar (database versions not stated): gnomAD 0.00033 and 0.00062; TOPMed 0.00039; 1000 Genomes Project 30x 0.00109; 1000 Genomes Project 0.00180; gnomAD exomes 0.00198 and 0.00222; ExAC 0.00890.
gnomAD v4.1: 980 of 613,302 alleles (0.16%); highest among the groups gnomAD compares: South Asian, 1.1%; 16 homozygotes.

Submissions (4):

Genome-Nilou Lab
Classification: Benign for Amyotrophic neuralgia. Last evaluated: 2021-12-05. Review status: criteria provided, single submitter. Criteria: ACMG Guidelines, 2015. Collection method: clinical testing. Allele origin: germline. Affected: no.

GeneDx
Classification: Likely benign. Last evaluated: 2019-08-15. Review status: criteria provided, single submitter. Criteria: GeneDx Variant Classification Process June 2021. Collection method: clinical testing. Allele origin: germline. Affected: yes.

Illumina Laboratory Services, Illumina
Classification: Benign for Amyotrophy, hereditary neuralgic. Last evaluated: 2018-01-12. Review status: criteria provided, single submitter. Criteria: ICSL Variant Classification Criteria 13 December 2019. Collection method: clinical testing. Allele origin: germline.
Comment: This variant was observed in the ICSL laboratory as part of a predisposition screen in an ostensibly healthy population. It had not been previously curated by ICSL or reported in the Human Gene Mutation Database (HGMD: prior to June 1st, 2018), and was therefore a candidate for classification through an automated scoring system. Utilizing variant allele frequency, disease prevalence and penetrance estimates, and inheritance mode, an automated score was calculated to assess if this variant is too frequent to cause the disease. Based on the score and internal cut-off values, a variant classified as benign is not then subjected to further curation. The score for this variant resulted in a classification of benign for this disease.

Breakthrough Genomics
Classification: Likely benign. Review status: criteria provided, single submitter. Criteria: ACMG Guidelines, 2015. Collection method: not provided. Allele origin: germline. Inheritance: Autosomal dominant inheritance. Affected: yes.

NM_001113491.2(SEPTIN9):c.*207G>A

Gene: SEPTIN9 (septin 9; plus strand). Cytogenetic location: 17q25.3.
Variant type: single nucleotide variant.
Coding change: c.*207G>A on transcript NM_001113491.2 (MANE Select); 207 bases downstream of the stop codon, G replaced by A.
Molecular consequence: 3 prime UTR variant.
Genome position (GRCh38, 1-based): chr17:77,498,865, G>A. VCF-style: chr17-77498865-G-A. GRCh37 (hg19) VCF-style: chr17-75494947-G-A.
Other names: c.*207G>A (NM_001113492.2, NM_001113493.2, NM_001113494.1 and 7 more transcripts).
Identifiers: ClinVar variation 325582 (VCV000325582.9), dbSNP rs560243481, ClinGen allele CA8793965.
Genomic context (GRCh38, chr17:77,498,865, plus strand): 5'-AGGGGCCTCCCTCCGAGTGAGTCAGTGATGAGGCCGCGGCCTCCCCGAGGTTGTGGGGAG[G>A]CTGCACTGGAGCCACAGGCAGGGGTGAGAGCACCCACTGAATTGACATGACCCTCTGTCC-3'